The following is an entry in ClinVar:

NM_014141.6(CNTNAP2):c.2383+183G>A

Gene: CNTNAP2 (contactin associated protein 2; plus strand). Cytogenetic location: 7q35.
Variant type: single nucleotide variant.
Coding change: c.2383+183G>A on transcript NM_014141.6 (MANE Select); 183 bases into the intron after coding-DNA position 2383, G replaced by A.
Molecular consequence: intron variant.
Genome position (GRCh38, 1-based): chr7:147,978,172, G>A. VCF-style: chr7-147978172-G-A. GRCh37 (hg19) VCF-style: chr7-147675264-G-A.
Identifiers: ClinVar variation 679934 (VCV000679934.2), dbSNP rs2373285, ClinGen allele CA168795697.
Genomic context (GRCh38, chr7:147,978,172, plus strand): 5'-AACCCAAGCAGAGATAACTTAGAGGAGGGGAACAGCCATAAAGCCTCCAGTACAGGAGCC[G>A]AGATTTGGGCATAAAGTGGGGATATCCATCTTTCCTCTATATTCATATGTAACAAGTTTG-3'

ClinVar aggregate classification (germline): Benign. Review status: criteria provided, multiple submitters, no conflicts (2 of 4 stars). 2 submissions from 2 submitters: Benign (2). Last evaluated 2018-06-14.

Allele frequency attached by ClinVar (database versions not stated): gnomAD 0.23887 and 0.24485; TOPMed 0.24514; 1000 Genomes Project 30x 0.27530; 1000 Genomes Project 0.28355; gnomAD exomes 0.28979.
gnomAD v4.1: 205,734 of 735,290 alleles (28%); highest among the groups gnomAD compares: East Asian, 54%; 33,271 homozygotes.

Submissions (2):

GeneDx
Classification: Benign. Last evaluated: 2018-06-14. Review status: criteria provided, single submitter. Criteria: GeneDx Variant Classification (06012015). Collection method: clinical testing. Allele origin: germline. Affected: yes.
Comment: This variant is considered likely benign or benign based on one or more of the following criteria: it is a conservative change, it occurs at a poorly conserved position in the protein, it is predicted to be benign by multiple in silico algorithms, and/or has population frequency not consistent with disease.

Breakthrough Genomics
Classification: Benign. Review status: criteria provided, single submitter. Criteria: ACMG Guidelines, 2015. Collection method: not provided. Allele origin: germline. Inheritance: Autosomal recessive inheritance. Affected: yes.